The following is an entry in ClinVar:

ClinVar aggregate classification (germline): Pathogenic (1 of 4 stars; one submission).

Conditions:
Ataxia-telangiectasia syndrome (AT). Also called: Ataxia-telangiectasia; LOUIS-BAR SYNDROME; AT, COMPLEMENTATION GROUP C; Ataxia-telangiectasia, complementation group E; Ataxia telangiectasia (A-T); Cerebello-oculocutaneous telangiectasia. Identifiers: Orphanet 100, MedGen C0004135, MONDO:0008840, OMIM 208900.

Submission:

Labcorp Genetics (formerly Invitae), Labcorp
Classification: Pathogenic for Ataxia-telangiectasia syndrome. Last evaluated: 2021-05-17. Review status: criteria provided, single submitter. Criteria: Invitae Variant Classification Sherloc (09022015). Collection method: clinical testing. Allele origin: germline.
Comment: For these reasons, this variant has been classified as Pathogenic. This variant has not been reported in the literature in individuals with ATM-related conditions. This variant is not present in population databases (ExAC no frequency). This sequence change creates a premature translational stop signal (p.Thr1011Lysfs*11) in the ATM gene. It is expected to result in an absent or disrupted protein product. Loss-of-function variants in ATM are known to be pathogenic (PMID: 23807571, 25614872).

Literature cited by the submitters: PubMed 23807571; PubMed 25614872.

NM_000051.4(ATM):c.3032del (p.Thr1011fs)

Gene: ATM (ATM serine/threonine kinase; plus strand). Cytogenetic location: 11q22.3.
Variant type: Deletion.
Coding change: c.3032del on transcript NM_000051.4 (MANE Select); coding-DNA position 3032, one base deleted (C; older notation c.3032delC).
Protein change: p.Thr1011fs; shifts the reading frame from threonine 1011.
Molecular consequence: frameshift variant.
Genome position (GRCh38, 1-based): chr11:108,271,361, C deleted. VCF-style (leftmost placement, unchanged base first): chr11-108271360-AC-A. GRCh37 (hg19) VCF-style: chr11-108142087-AC-A.
Other names: c.3032del, p.Thr1011fs (NM_001351834.2); short protein forms T1011fs.
Identifiers: ClinVar variation 1452548 (VCV001452548.6), dbSNP rs2135554073, ClinGen allele CA2573146596.